The following is an entry in ClinVar:

NM_145068.4(TRPV3):c.624C>T (p.Tyr208=)

Gene: TRPV3 (transient receptor potential cation channel subfamily V member 3; minus strand). Cytogenetic location: 17p13.2.
Variant type: single nucleotide variant.
Coding change: c.624C>T on transcript NM_145068.4 (MANE Select); coding-DNA position 624, C replaced by T.
Protein change: p.Tyr208=; no amino-acid change (tyrosine 208 retained).
Molecular consequence: synonymous variant.
Genome position (GRCh38, 1-based): chr17:3,542,541, G>A on the plus strand (C>T on the coding strand, the complement: TRPV3 is on the minus strand). VCF-style: chr17-3542541-G-A. GRCh37 (hg19) VCF-style: chr17-3445835-G-A.
Other names: c.624C>T, p.Tyr208= (NM_001258205.2).
Identifiers: ClinVar variation 3035298 (VCV003035298.2), dbSNP rs940253742, ClinGen allele CA287021504.

ClinVar aggregate classification (germline): Likely benign (0 of 4 stars; one submission).

Conditions:
TRPV3-related disorder. Also called: TRPV3-related condition.

Allele frequency attached by ClinVar (database versions not stated): gnomAD exomes below 0.00001; gnomAD 0.00001; TOPMed 0.00003.
gnomAD v4.1: 4 of 1,613,870 alleles (0.00025%); highest among the groups gnomAD compares: African/African-American, 0.004%; no homozygotes.

Submission:

PreventionGenetics, part of Exact Sciences
Classification: Likely benign for TRPV3-related condition. Last evaluated: 2019-08-09. Review status: no assertion criteria provided. Collection method: clinical testing. Allele origin: germline.
Comment: This variant is classified as likely benign based on ACMG/AMP sequence variant interpretation guidelines (Richards et al. 2015 PMID: 25741868, with internal and published modifications).